The following is an entry in ClinVar:

NM_000441.2(SLC26A4):c.416-16G>T

Gene: SLC26A4 (solute carrier family 26 member 4; plus strand). Cytogenetic location: 7q22.3.
Variant type: single nucleotide variant.
Coding change: c.416-16G>T on transcript NM_000441.2 (MANE Select); 16 bases into the intron before coding-DNA position 416, G replaced by T.
Molecular consequence: intron variant.
Genome position (GRCh38, 1-based): chr7:107,674,148, G>T. VCF-style: chr7-107674148-G-T. GRCh37 (hg19) VCF-style: chr7-107314593-G-T.
Identifiers: ClinVar variation 445575 (VCV000445575.14), dbSNP rs114992866, ClinGen allele CA4432466.

ClinVar aggregate classification (germline): Benign/Likely benign. Review status: criteria provided, multiple submitters, no conflicts (2 of 4 stars). 6 submissions from 6 submitters: Benign (3); Likely benign (2). 1 of the submissions does not count toward it. Last evaluated 2026-05-12.

Conditions:
Pendred syndrome (PDS). Also called: THYROID DYSHORMONOGENESIS 2B; THYROID HORMONOGENESIS, GENETIC DEFECT IN, 2B; Pendred Syndrome (PDS); Pendred's syndrome; DEAFNESS WITH GOITER; GOITER-DEAFNESS SYNDROME. Identifiers: Orphanet 705, MedGen C0271829, MONDO:0010134, OMIM 274600.

Allele frequency attached by ClinVar (database versions not stated): 1000 Genomes Project 30x 0.01562; ESP Exome Variant Server 0.00930; 1000 Genomes Project 0.01418; TOPMed 0.01105.
gnomAD v4.1: 2,782 of 1,613,130 alleles (0.17%); highest among the groups gnomAD compares: African/African-American, 3.3%; 54 homozygotes.

Submissions (6):

Women's Health and Genetics/Laboratory Corporation of America, LabCorp
Classification: Likely benign. Last evaluated: 2026-05-12. Review status: criteria provided, single submitter. Criteria: LabCorp Variant Classification Summary - May 2015. Collection method: clinical testing. Allele origin: germline.

Labcorp Genetics (formerly Invitae), Labcorp
Classification: Benign. Last evaluated: 2026-01-31. Review status: criteria provided, single submitter. Criteria: Invitae Variant Classification Sherloc (09022015). Collection method: clinical testing. Allele origin: germline.

ARUP Laboratories, Molecular Genetics and Genomics, ARUP Laboratories
Classification: Benign. Last evaluated: 2023-10-16. Review status: criteria provided, single submitter. Criteria: ARUP Molecular Germline Variant Investigation Process 2024. Collection method: clinical testing. Allele origin: germline.

GeneDx
Classification: Benign. Last evaluated: 2017-07-20. Review status: criteria provided, single submitter. Criteria: GeneDx Variant Classification (06012015). Collection method: clinical testing. Allele origin: germline. Affected: yes.
Comment: This variant is considered likely benign or benign based on one or more of the following criteria: it is a conservative change, it occurs at a poorly conserved position in the protein, it is predicted to be benign by multiple in silico algorithms, and/or has population frequency not consistent with disease.

Center for Pediatric Genomic Medicine, Children's Mercy Hospital and Clinics
Classification: Likely benign. Last evaluated: 2017-04-11. Review status: criteria provided, single submitter. Criteria: ACMG Guidelines, 2015. Collection method: clinical testing. Allele origin: germline.

Counsyl
Classification: Likely benign for Pendred syndrome. Last evaluated: 2018-02-14. Review status: no assertion criteria provided. Collection method: clinical testing. Allele origin: unknown. Not counted in ClinVar's aggregate classification.